The following is an entry in ClinVar:

ClinVar aggregate classification (germline): Uncertain significance. Review status: criteria provided, multiple submitters, no conflicts (2 of 4 stars). 2 submissions from 2 submitters: Uncertain significance (2). Last evaluated 2021-06-05.

Conditions:
Hereditary cancer-predisposing syndrome. Also called: Neoplastic Syndromes, Hereditary; Tumor predisposition; Hereditary neoplastic syndrome; Hereditary Cancer Syndrome. Identifiers: Orphanet 140162, MedGen C0027672, MeSH D009386, MONDO:0015356.
Familial cancer of breast. Also called: BREAST CANCER, FAMILIAL; Hereditary breast cancer; hereditary breast carcinoma. Identifiers: Orphanet 227535, MedGen C0346153, MONDO:0016419, OMIM 114480. Disease mechanism: loss of function.

Allele frequency attached by ClinVar (database versions not stated): gnomAD exomes below 0.00001; ExAC 0.00001.
gnomAD v4.1: 1 of 1,614,026 alleles (0.000062%); highest among the groups gnomAD compares: South Asian, 0.0011%; no homozygotes.

Submissions (2):

Labcorp Genetics (formerly Invitae), Labcorp
Classification: Uncertain significance for Familial cancer of breast. Last evaluated: 2021-06-05. Review status: criteria provided, single submitter. Criteria: Invitae Variant Classification Sherloc (09022015). Collection method: clinical testing. Allele origin: germline.
Comment: In summary, the available evidence is currently insufficient to determine the role of this variant in disease. Therefore, it has been classified as a Variant of Uncertain Significance. Algorithms developed to predict the effect of missense changes on protein structure and function (SIFT, PolyPhen-2, Align-GVGD) all suggest that this variant is likely to be tolerated, but these predictions have not been confirmed by published functional studies and their clinical significance is uncertain. This variant has not been reported in the literature in individuals with PALB2-related conditions. ClinVar contains an entry for this variant (Variation ID: 628347). This variant is present in population databases (no rsID available, ExAC 0.006%). This sequence change replaces glutamine with glutamic acid at codon 55 of the PALB2 protein (p.Gln55Glu). The glutamine residue is weakly conserved and there is a small physicochemical difference between glutamine and glutamic acid.

Color Diagnostics, LLC DBA Color Health
Classification: Uncertain significance for Hereditary cancer-predisposing syndrome. Last evaluated: 2021-03-17. Review status: criteria provided, single submitter. Criteria: ACMG Guidelines, 2015. Collection method: clinical testing. Allele origin: germline.
Comment: This missense variant replaces glutamine with glutamic acid at codon 55 of the PALB2 protein. Computational prediction is inconclusive regarding the impact of this variant on protein structure and function (internally defined REVEL score threshold 0.5 < inconclusive < 0.7, PMID: 27666373). To our knowledge, functional studies have not been reported for this variant. This variant has not been reported in individuals affected with hereditary cancer in the literature. This variant has been identified in 1/251476 chromosomes in the general population by the Genome Aggregation Database (gnomAD). The available evidence is insufficient to determine the role of this variant in disease conclusively. Therefore, this variant is classified as a Variant of Uncertain Significance.

NM_024675.4(PALB2):c.163C>G (p.Gln55Glu)

Gene: PALB2 (partner and localizer of BRCA2; minus strand). Cytogenetic location: 16p12.2.
Variant type: single nucleotide variant.
Coding change: c.163C>G on transcript NM_024675.4 (MANE Select); coding-DNA position 163, C replaced by G.
Protein change: p.Gln55Glu; replaces glutamine 55 with glutamic acid.
Molecular consequence: missense variant.
Genome position (GRCh38, 1-based): chr16:23,637,898, G>C on the plus strand (C>G on the coding strand, the complement: PALB2 is on the minus strand). VCF-style: chr16-23637898-G-C. GRCh37 (hg19) VCF-style: chr16-23649219-G-C.
Other names: short protein forms Q55E.
Identifiers: ClinVar variation 628347 (VCV000628347.13), dbSNP rs1064793772, ClinGen allele CA7963831.
Genomic context (GRCh38, chr16:23,637,898, plus strand): 5'-GTCTAGATTTACCTGAGTGTTTTAGCTGCGGTGAGAGATCCTGCTGAGACAAACAATCTT[G>C]TTCTTCTACTGTTTTCTTAATAGAATGCTTAATCTTTTCAGCTCTTTGGGCACGCTAGAG-3'
Protein context (NP_078951.2, residues 45-65): KHSIKKTVEE[Gln55Glu]DCLSQQDLSP